The following is an entry in ClinVar:

NM_152383.5(DIS3L2):c.875G>C (p.Arg292Pro)

Gene: DIS3L2 (DIS3 like 3'-5' exoribonuclease 2; plus strand). Cytogenetic location: 2q37.1.
Variant type: single nucleotide variant.
Coding change: c.875G>C on transcript NM_152383.5 (MANE Select); coding-DNA position 875, G replaced by C.
Protein change: p.Arg292Pro; replaces arginine 292 with proline.
Molecular consequence: missense variant. On other transcripts: non-coding transcript variant (1).
Genome position (GRCh38, 1-based): chr2:232,136,644, G>C. VCF-style: chr2-232136644-G-C. GRCh37 (hg19) VCF-style: chr2-233001354-G-C.
Other names: c.875G>C, p.Arg292Pro (NM_001257281.2); short protein forms R292P.
Identifiers: ClinVar variation 1478216 (VCV001478216.8), dbSNP rs768117442, ClinGen allele CA351153782.

ClinVar aggregate classification (germline): Uncertain significance (1 of 4 stars; one submission).

Conditions:
Perlman syndrome (PRLMNS). Identifiers: Orphanet 2849, MedGen C0796113, MONDO:0009965, OMIM 267000.

Submission:

Labcorp Genetics (formerly Invitae), Labcorp
Classification: Uncertain significance for Perlman syndrome. Last evaluated: 2025-09-30. Review status: criteria provided, single submitter. Criteria: Invitae Variant Classification Sherloc (09022015). Collection method: clinical testing. Allele origin: germline.
Comment: This sequence change replaces arginine, which is basic and polar, with proline, which is neutral and non-polar, at codon 292 of the DIS3L2 protein (p.Arg292Pro). This variant is not present in population databases (gnomAD no frequency). This variant has not been reported in the literature in individuals affected with DIS3L2-related conditions. ClinVar contains an entry for this variant (Variation ID: 1478216). An algorithm developed to predict the effect of missense changes on protein structure and function (PolyPhen-2) suggests that this variant is likely to be disruptive. In summary, the available evidence is currently insufficient to determine the role of this variant in disease. Therefore, it has been classified as a Variant of Uncertain Significance.